The following is an entry in ClinVar:

NM_178857.6(RP1L1):c.617C>T (p.Ser206Leu)

Gene: RP1L1 (RP1 like 1). Cytogenetic location: 8p23.1.
Variant type: single nucleotide variant.
Coding change: c.617C>T on transcript NM_178857.6 (MANE Select); coding-DNA position 617, C replaced by T.
Protein change: p.Ser206Leu; replaces serine 206 with leucine.
Molecular consequence: missense variant.
Genome position (GRCh38, 1-based): chr8:10,616,580, G>A on the plus strand (C>T on the coding strand, the complement: RP1L1 is on the minus strand). VCF-style: chr8-10616580-G-A. GRCh37 (hg19) VCF-style: chr8-10474090-G-A.
Other names: c.617C>T (NM_178857.5); short protein forms S206L.
Identifiers: ClinVar variation 1348329 (VCV001348329.7), dbSNP rs760447634, ClinGen allele CA4625537.

ClinVar aggregate classification (germline): Uncertain significance. Review status: criteria provided, multiple submitters, no conflicts (2 of 4 stars). 2 submissions from 2 submitters: Uncertain significance (2). Last evaluated 2025-08-28.

Conditions:
Inborn genetic diseases. Identifiers: MedGen C0950123, MeSH D030342.

Allele frequency attached by ClinVar (database versions not stated): TOPMed 0.00001; gnomAD 0.00002.
gnomAD v4.1: 47 of 1,611,720 alleles (0.0029%); highest among the groups gnomAD compares: Admixed American, 0.0033%; no homozygotes.

Submissions (2):

Ambry Genetics
Classification: Uncertain significance for Inborn genetic diseases. Last evaluated: 2025-08-28. Review status: criteria provided, single submitter. Criteria: Ambry Variant Classification Scheme 2023. Collection method: clinical testing. Allele origin: germline.

Labcorp Genetics (formerly Invitae), Labcorp
Classification: Uncertain significance. Last evaluated: 2024-03-11. Review status: criteria provided, single submitter. Criteria: Invitae Variant Classification Sherloc (09022015). Collection method: clinical testing. Allele origin: germline.
Comment: This sequence change replaces serine, which is neutral and polar, with leucine, which is neutral and non-polar, at codon 206 of the RP1L1 protein (p.Ser206Leu). This variant is present in population databases (rs760447634, gnomAD 0.006%). This variant has not been reported in the literature in individuals affected with RP1L1-related conditions. ClinVar contains an entry for this variant (Variation ID: 1348329). Advanced modeling of protein sequence and biophysical properties (such as structural, functional, and spatial information, amino acid conservation, physicochemical variation, residue mobility, and thermodynamic stability) has been performed at Invitae for this missense variant, however the output from this modeling did not meet the statistical confidence thresholds required to predict the impact of this variant on RP1L1 protein function. In summary, the available evidence is currently insufficient to determine the role of this variant in disease. Therefore, it has been classified as a Variant of Uncertain Significance.